The following is an entry in ClinVar:

NM_002691.4(POLD1):c.2044C>T (p.Arg682Trp)

Gene: POLD1 (DNA polymerase delta 1, catalytic subunit; plus strand). Cytogenetic location: 19q13.33.
Variant type: single nucleotide variant.
Coding change: c.2044C>T on transcript NM_002691.4 (MANE Select); coding-DNA position 2044, C replaced by T.
Protein change: p.Arg682Trp; replaces arginine 682 with tryptophan.
Molecular consequence: missense variant. On other transcripts: non-coding transcript variant (1).
Genome position (GRCh38, 1-based): chr19:50,409,556, C>T. VCF-style: chr19-50409556-C-T. GRCh37 (hg19) VCF-style: chr19-50912813-C-T.
Other names: c.2044C>T, p.Arg682Trp (NM_001256849.1); c.2122C>T, p.Arg708Trp (NM_001308632.1); c.2044C>T (NM_002691.2); short protein forms R682W, R708W.
Identifiers: ClinVar variation 239268 (VCV000239268.12), dbSNP rs758260006, ClinGen allele CA9596376.

ClinVar aggregate classification (germline): Uncertain significance. Review status: criteria provided, multiple submitters, no conflicts (2 of 4 stars). 3 submissions from 3 submitters: Uncertain significance (3). Last evaluated 2025-02-21.

Conditions:
Hereditary cancer-predisposing syndrome. Also called: Hereditary Cancer Syndrome; Neoplastic Syndromes, Hereditary; Hereditary neoplastic syndrome; Tumor predisposition. Identifiers: Orphanet 140162, MedGen C0027672, MeSH D009386, MONDO:0015356.
POLD1-related polyposis and colorectal cancer syndrome (CRCS10). Also called: COLORECTAL CANCER, SUSCEPTIBILITY TO, ON CHROMOSOME 19q; Colorectal cancer 10; Colorectal cancer, susceptibility to, 10. Identifiers: Orphanet 220460, MedGen C2675481, MONDO:0012953, OMIM 612591.

Allele frequency attached by ClinVar (database versions not stated): TOPMed 0.00001.
gnomAD v4.1: 3 of 1,613,528 alleles (0.00019%); highest among the groups gnomAD compares: Admixed American, 0.0033%; no homozygotes.

Submissions (3):

Ambry Genetics
Classification: Uncertain significance for Hereditary cancer-predisposing syndrome. Last evaluated: 2025-02-21. Review status: criteria provided, single submitter. Criteria: Ambry Variant Classification Scheme 2023. Collection method: clinical testing. Allele origin: germline.
Comment: The p.R682W variant (also known as c.2044C>T), located in coding exon 16 of the POLD1 gene, results from a C to T substitution at nucleotide position 2044. The arginine at codon 682 is replaced by tryptophan, an amino acid with dissimilar properties. This amino acid position is well conserved in available vertebrate species. In addition, this alteration is predicted to be tolerated by in silico analysis. Based on the available evidence, the clinical significance of this variant remains unclear.

Labcorp Genetics (formerly Invitae), Labcorp
Classification: Uncertain significance for POLD1-related polyposis and colorectal cancer syndrome. Last evaluated: 2024-10-30. Review status: criteria provided, single submitter. Criteria: Invitae Variant Classification Sherloc (09022015). Collection method: clinical testing. Allele origin: germline.
Comment: This sequence change replaces arginine, which is basic and polar, with tryptophan, which is neutral and slightly polar, at codon 682 of the POLD1 protein (p.Arg682Trp). This variant is present in population databases (rs758260006, gnomAD 0.006%). This variant has not been reported in the literature in individuals affected with POLD1-related conditions. ClinVar contains an entry for this variant (Variation ID: 239268). Invitae Evidence Modeling of protein sequence and biophysical properties (such as structural, functional, and spatial information, amino acid conservation, physicochemical variation, residue mobility, and thermodynamic stability) has been performed for this missense variant. However, the output from this modeling did not meet the statistical confidence thresholds required to predict the impact of this variant on POLD1 protein function. In summary, the available evidence is currently insufficient to determine the role of this variant in disease. Therefore, it has been classified as a Variant of Uncertain Significance.

GeneDx
Classification: Uncertain significance. Last evaluated: 2021-03-19. Review status: criteria provided, single submitter. Criteria: GeneDx Variant Classification Process June 2021. Collection method: clinical testing. Allele origin: germline. Affected: yes.
Comment: Not observed at a significant frequency in large population cohorts (Lek 2016); In silico analysis supports that this missense variant has a deleterious effect on protein structure/function; Has not been previously published as pathogenic or benign to our knowledge